The following is an entry in ClinVar:

ClinVar aggregate classification (germline): Likely benign. Review status: criteria provided, single submitter (1 of 4 stars). 2 submissions from 2 submitters: Likely benign (1). 1 of the submissions does not count toward it. Last evaluated 2024-06-06.

Conditions:
ACTN4-related disorder. Also called: ACTN4-related condition.

Allele frequency attached by ClinVar (database versions not stated): ExAC 0.00002; gnomAD exomes 0.00007 and 0.00009; gnomAD 0.00013 and 0.00015; TOPMed 0.00020.
gnomAD v4.1: 154 of 1,613,272 alleles (0.0095%); highest among the groups gnomAD compares: Admixed American, 0.032%; no homozygotes.

Submissions (2):

Labcorp Genetics (formerly Invitae), Labcorp
Classification: Likely benign. Last evaluated: 2024-06-06. Review status: criteria provided, single submitter. Criteria: Invitae Variant Classification Sherloc (09022015). Collection method: clinical testing. Allele origin: germline.

PreventionGenetics, part of Exact Sciences
Classification: Likely benign for ACTN4-related condition. Last evaluated: 2019-08-02. Review status: no assertion criteria provided. Collection method: clinical testing. Allele origin: germline. Not counted in ClinVar's aggregate classification.
Comment: This variant is classified as likely benign based on ACMG/AMP sequence variant interpretation guidelines (Richards et al. 2015 PMID: 25741868, with internal and published modifications).

NM_004924.6(ACTN4):c.2529C>T (p.Asp843=)

Gene: ACTN4 (actinin alpha 4; plus strand). Cytogenetic location: 19q13.2.
Variant type: single nucleotide variant.
Coding change: c.2529C>T on transcript NM_004924.6 (MANE Select); coding-DNA position 2529, C replaced by T.
Protein change: p.Asp843=; no amino-acid change (aspartic acid 843 retained).
Molecular consequence: synonymous variant.
Genome position (GRCh38, 1-based): chr19:38,729,106, C>T. VCF-style: chr19-38729106-C-T. GRCh37 (hg19) VCF-style: chr19-39219746-C-T.
Other names: c.2514C>T, p.Asp838= (NM_001322033.2); c.2529C>T (NM_004924.5).
Identifiers: ClinVar variation 1566545 (VCV001566545.10), dbSNP rs757473304, ClinGen allele CA9418072.